The following is an entry in ClinVar:

ClinVar aggregate classification (germline): Likely pathogenic (1 of 4 stars; one submission).

Conditions:
Congenital thrombocytopenia. Identifiers: MedGen C0272278, HP:0001905.

Submission:

Centre for Mendelian Genomics, University Medical Centre Ljubljana
Classification: Likely pathogenic for Congenital Thrombocytopenia. Last evaluated: 2026-07-22. Review status: criteria provided, single submitter. Criteria: ACMG Guidelines, 2015. Collection method: clinical testing. Allele origin: germline. Affected: yes. Observed: 1 variant allele.
Comment: This variant has not previously been reported in association with disease in humans. However, additional evidence supports pathogenicity: (1) although not anticipated to result in nonsense-mediated decay, it is expected to disrupt the last 94 amino acids of the RUNX1 protein, alter the transactivation domain/inhibitory domain/VWRPY motif, and extend the protein by an additional 113 amino acids [PVS1_STR]; other C-terminal frameshift variants have been reported, some showing loss of transactivation ability and a dominant-negative effect (PMID:14615365, PMID:19808697, PMID:25840971); (2) absence from control populations in gnomAD [PM2]; and (3) concordance with the referral diagnosis. Based on the evidence above, we classify this variant as likely pathogenic.

Literature cited by the submitters: PubMed 36880038; PubMed 14615365; PubMed 19808697; PubMed 25840971.

NM_001754.5(RUNX1):c.1160del (p.Gly387fs)

Gene: RUNX1 (RUNX family transcription factor 1; minus strand). Cytogenetic location: 21q22.12.
Variant type: Deletion.
Coding change: c.1160del on transcript NM_001754.5 (MANE Select); coding-DNA position 1160, one base deleted (G; older notation c.1160delG).
Protein change: p.Gly387fs; shifts the reading frame from glycine 387.
Molecular consequence: frameshift variant.
Genome position (GRCh38, 1-based): chr21:34,792,418, C deleted on the plus strand (G on the coding strand, the reverse complement: RUNX1 is on the minus strand); the first of 2 consecutive C bases (chr21:34,792,418-34,792,419); deleting either gives the same sequence. VCF-style (leftmost placement, unchanged base first): chr21-34792417-GC-G. GRCh37 (hg19) VCF-style: chr21-36164714-GC-G.
Other names: p.Gly387AlafsTer207; c.1079del, p.Gly360fs (NM_001001890.3); c.1160delG (NM_001754.4); short protein forms G360fs, G387fs.
Identifiers: ClinVar variation 4871904 (VCV004871904.1).